The following is an entry in ClinVar:

ClinVar aggregate classification (germline): Uncertain significance (1 of 4 stars; one submission).

Submission:

Labcorp Genetics (formerly Invitae), Labcorp
Classification: Uncertain significance. Last evaluated: 2024-10-30. Review status: criteria provided, single submitter. Criteria: Invitae Variant Classification Sherloc (09022015). Collection method: clinical testing. Allele origin: germline.
Comment: This sequence change replaces serine, which is neutral and polar, with phenylalanine, which is neutral and non-polar, at codon 385 of the ANXA11 protein (p.Ser385Phe). This variant is not present in population databases (gnomAD no frequency). This variant has not been reported in the literature in individuals affected with ANXA11-related conditions. An algorithm developed to predict the effect of missense changes on protein structure and function (PolyPhen-2) suggests that this variant is likely to be disruptive. In summary, the available evidence is currently insufficient to determine the role of this variant in disease. Therefore, it has been classified as a Variant of Uncertain Significance.

NM_145868.2(ANXA11):c.1154C>T (p.Ser385Phe)

Gene: ANXA11 (annexin A11; minus strand). Cytogenetic location: 10q22.3.
Variant type: single nucleotide variant.
Coding change: c.1154C>T on transcript NM_145868.2 (MANE Select); coding-DNA position 1154, C replaced by T.
Protein change: p.Ser385Phe; replaces serine 385 with phenylalanine.
Molecular consequence: missense variant.
Genome position (GRCh38, 1-based): chr10:80,161,961, G>A on the plus strand (C>T on the coding strand, the complement: ANXA11 is on the minus strand). VCF-style: chr10-80161961-G-A. GRCh37 (hg19) VCF-style: chr10-81921717-G-A.
Other names: c.1154C>T, p.Ser385Phe (NM_001157.3, NM_001278407.2, NM_001278408.2 and 1 more transcripts); c.1055C>T, p.Ser352Phe (NM_001278409.2); short protein forms S385F, S352F.
Identifiers: ClinVar variation 3723071 (VCV003723071.2).
Genomic context (GRCh38, chr10:80,161,961, plus strand): 5'-TAACTGGCCTCTGAGGGACCCCAGCCTGCCTTACCTGCTACCAGGTGGGCCCGGCTCCGG[G>A]AGCACAGAACCGCATTGAACTTGGACTCGTCTGTTCCCAGGCGGTTCTCCCCGGCCGCAT-3'
Protein context (NP_665875.1, residues 375-395): DESKFNAVLC[Ser385Phe]RSRAHLVAVF